The following is an entry in ClinVar:

NM_001457.4(FLNB):c.641TCA[1] (p.Ile215del)

Gene: FLNB (filamin B; plus strand). Cytogenetic location: 3p14.3.
Variant type: Microsatellite.
Coding change: c.641TCA[1] on transcript NM_001457.4 (MANE Select); one copy of the 3-base unit TCA starting at c.641; the reference has two copies in a row; one copy, 3 bases deleted.
Protein change: p.Ile215del; deletes isoleucine 215.
Molecular consequence: inframe deletion.
Genome position (GRCh38, 1-based): chr3:58,081,633-58,081,635, TCA deleted; deleting any 3 consecutive bases within chr3:58,081,630-58,081,635 gives the same sequence; the position shown is the placement nearest the transcript's 3' end. VCF-style (leftmost placement, unchanged base first): chr3-58081629-GTCA-G. GRCh37 (hg19) VCF-style: chr3-58067356-GTCA-G.
Other names: c.641TCA[1], p.Ile215del (NM_001164317.2, NM_001164318.2, NM_001164319.2); short protein forms I215del.
Identifiers: ClinVar variation 3236011 (VCV003236011.1), dbSNP rs2471006494, ClinGen allele CA2825001274.

ClinVar aggregate classification (germline): Likely pathogenic (1 of 4 stars; one submission).

Conditions:
Atelosteogenesis type I. Also called: GIANT CELL CHONDRODYSPLASIA; SPONDYLOHUMEROFEMORAL HYPOPLASIA; Atelosteogenesis Type 1 (FLNB-AO1). Identifiers: Orphanet 1190, MedGen C0265283, MONDO:0007167, OMIM 108720.

Submission:

MVZ Medizinische Genetik Mainz
Classification: Likely pathogenic for Atelosteogenesis type I. Last evaluated: 2022-05-06. Review status: criteria provided, single submitter. Criteria: UK Practice Guidelines For Variant Classification V4 01 2020. Collection method: clinical testing. Allele origin: germline. Inheritance: Autosomal dominant inheritance. Affected: yes. Observed: 1 variant allele.
Comment: ACMG Criteria: PM4, PM6, PM1_SUP, PM2_SUP, PP3 (ACMG Version 3)